The following is an entry in ClinVar:

NM_024685.4(BBS10):c.1416A>G (p.Thr472=)

Gene: BBS10 (Bardet-Biedl syndrome 10; minus strand). Cytogenetic location: 12q21.2.
Variant type: single nucleotide variant.
Coding change: c.1416A>G on transcript NM_024685.4 (MANE Select); coding-DNA position 1416, A replaced by G.
Protein change: p.Thr472=; no amino-acid change (threonine 472 retained).
Molecular consequence: synonymous variant.
Genome position (GRCh38, 1-based): chr12:76,346,569, T>C on the plus strand (A>G on the coding strand, the complement: BBS10 is on the minus strand). VCF-style: chr12-76346569-T-C. GRCh37 (hg19) VCF-style: chr12-76740349-T-C.
Other names: c.1416A>G (NM_024685.3).
Identifiers: ClinVar variation 1477362 (VCV001477362.9), dbSNP rs1345667368, ClinGen allele CA481011243.

ClinVar aggregate classification (germline): Likely benign. Review status: criteria provided, multiple submitters, no conflicts (2 of 4 stars). 2 submissions from 2 submitters: Likely benign (2). Last evaluated 2026-07-28.

Conditions:
BBS10-related disorder. Also called: BBS10-related condition.
Bardet-Biedl syndrome (BBS). Identifiers: Orphanet 110, MedGen C0752166, MONDO:0015229.

Allele frequency attached by ClinVar (database versions not stated): gnomAD exomes 0.00001.

Submissions (2):

PreventionGenetics, part of Exact Sciences
Classification: Likely benign for BBS10-related condition. Last evaluated: 2026-07-28. Review status: criteria provided, single submitter. Criteria: ACMG Guidelines, 2015. Collection method: clinical testing. Allele origin: germline.
Comment: This variant is classified as likely benign based on ACMG/AMP sequence variant interpretation guidelines (Richards et al. 2015 PMID: 25741868, with internal and published modifications).

Labcorp Genetics (formerly Invitae), Labcorp
Classification: Likely benign for Bardet-Biedl syndrome. Last evaluated: 2024-02-16. Review status: criteria provided, single submitter. Criteria: Invitae Variant Classification Sherloc (09022015). Collection method: clinical testing. Allele origin: germline.